The following is an entry in ClinVar:

ClinVar aggregate classification (germline): Conflicting classifications of pathogenicity. Review status: criteria provided, conflicting classifications (1 of 4 stars). 2 submissions from 2 submitters: Uncertain significance (1); Benign (1). Last evaluated 2018-07-07.

Conditions:
Behavior disorder. Also called: Behavioral disorder. Identifiers: MedGen C0004930.

Allele frequency attached by ClinVar (database versions not stated): gnomAD exomes 0.00127; ExAC 0.00146; gnomAD 0.00350 and 0.00366; ESP Exome Variant Server 0.00354; TOPMed 0.00433; 1000 Genomes Project 0.00459; 1000 Genomes Project 30x 0.00500.
gnomAD v4.1: 1,878 of 1,613,686 alleles (0.12%); highest among the groups gnomAD compares: African/African-American, 1.1%; 7 homozygotes.

Submissions (2):

Labcorp Genetics (formerly Invitae), Labcorp
Classification: Benign. Last evaluated: 2018-07-07. Review status: criteria provided, single submitter. Criteria: Invitae Variant Classification Sherloc (09022015). Collection method: clinical testing. Allele origin: germline.

Illumina Laboratory Services, Illumina
Classification: Uncertain significance for Behavior disorder. Last evaluated: 2017-04-27. Review status: criteria provided, single submitter. Criteria: ICSL Variant Classification Criteria 13 December 2019. Collection method: clinical testing. Allele origin: germline.
Comment: This variant was observed as part of a predisposition screen in an ostensibly healthy population. A literature search was performed for the gene, cDNA change, and amino acid change (where applicable). Publications were found based on this search. However, the evidence from the literature, in combination with allele frequency data from public databases where available, was not sufficient to rule this variant in or out of causing disease. Therefore, this variant is classified as a variant of unknown significance.

Literature cited by the submitters: PubMed 19360675 (cited by Illumina Laboratory Services, Illumina).

NM_001045.6(SLC6A4):c.705C>T (p.His235=)

Gene: SLC6A4 (solute carrier family 6 member 4; minus strand). Cytogenetic location: 17q11.2.
Variant type: single nucleotide variant.
Coding change: c.705C>T on transcript NM_001045.6 (MANE Select); coding-DNA position 705, C replaced by T.
Protein change: p.His235=; no amino-acid change (histidine 235 retained).
Molecular consequence: synonymous variant.
Genome position (GRCh38, 1-based): chr17:30,217,298, G>A on the plus strand (C>T on the coding strand, the complement: SLC6A4 is on the minus strand). VCF-style: chr17-30217298-G-A. GRCh37 (hg19) VCF-style: chr17-28544316-G-A.
Identifiers: ClinVar variation 708975 (VCV000708975.7), dbSNP rs41274284, ClinGen allele CA8480346.